The following is an entry in ClinVar:

NM_000341.4(SLC3A1):c.1084C>T (p.Arg362Cys)

Gene: SLC3A1 (solute carrier family 3 member 1; plus strand). Cytogenetic location: 2p21.
Variant type: single nucleotide variant.
Coding change: c.1084C>T on transcript NM_000341.4 (MANE Select); coding-DNA position 1084, C replaced by T.
Protein change: p.Arg362Cys; replaces arginine 362 with cysteine.
Molecular consequence: missense variant.
Genome position (GRCh38, 1-based): chr2:44,301,075, C>T. VCF-style: chr2-44301075-C-T. GRCh37 (hg19) VCF-style: chr2-44528214-C-T.
Other names: short protein forms R362C.
Identifiers: ClinVar variation 804176 (VCV000804176.18), dbSNP rs375399468, ClinGen allele CA1640404.

ClinVar aggregate classification (germline): Conflicting classifications of pathogenicity. Review status: criteria provided, conflicting classifications (1 of 4 stars). 6 submissions from 6 submitters: Pathogenic (3); Uncertain significance (1). 2 of the submissions do not count toward it. Last evaluated 2026-03-17.

Conditions:
Cystinuria (CSNU). Also called: Cystinuria, non-type I; CYSTINURIA, TYPE I; CYSTINURIA, TYPE II; CYSTINURIA, TYPE III. Identifiers: Orphanet 214, MedGen C0010691, MONDO:0009067, OMIM 220100, HP:0003131.
SLC3A1-related disorder. Also called: SLC3A1-related condition.
Cystine urolithiasis. Identifiers: MedGen C3671878.

Allele frequency attached by ClinVar (database versions not stated): ExAC 0.00004; gnomAD 0.00005 and 0.00006; TOPMed 0.00007; ESP Exome Variant Server 0.00008.
gnomAD v4.1: 100 of 1,613,984 alleles (0.0062%); highest among the groups gnomAD compares: Middle Eastern, 0.033%; no homozygotes.

Submissions (6):

Victorian Clinical Genetics Services, Murdoch Childrens Research Institute
Classification: Pathogenic for Cystinuria. Last evaluated: 2026-03-17. Review status: criteria provided, single submitter. Criteria: ACMG Guidelines, 2015. Collection method: clinical testing. Allele origin: germline. Affected: yes.
Comment: This variant is classified as Pathogenic. Evidence in support of pathogenic classification: Variant is present in gnomAD <0.01 (v4: 100 heterozygote(s), 0 homozygote(s)); This variant has strong previous evidence of pathogenicity in unrelated individuals. This variant has been classified as pathogenic, likely pathogenic and as a VUS by clinical laboratories in ClinVar. It has also been reported in the literature in homozygous and compound heterozygous individuals with cystinuria (PMIDs: 32133030, 26123750, 33349102, 28646536, 12234283); Other missense variant(s) comparable to the one identified in this case have moderate previous evidence for pathogenicity. p.(Arg362His) has been classified as pathogenic and as a VUS by clinical laboratories in ClinVar. Both p.(Arg362His) and p.(Arg362Gly) have been reported in the literature in individuals with cystinuria (PMIDs: 32133030, 12820697); Missense variant predicted to be damaging by in silico tool(s) or highly conserved with a major amino acid change. Additional information: Variant is predicted to result in a missense amino acid change from Arg to Cys; This variant is heterozygous; This gene is associated with both recessive and dominant disease. Although predominantly associated with recessive disease, there are some reports of dominant disease associated with duplication of exons 5-9 (PMID: 15635077, 25964309); Alternative amino acid change(s) at the same position are present in gnomAD (Highest allele count: v4: 19 heterozygote(s), 0 homozygote(s)); Variant is located in the annotated alpha-amylase domain (DECIPHER); Loss of function is a known mechanism of disease in this gene and is associated with cystinuria (MIM#220100); Inheritance information for this variant is not currently available in this individual.

Blueprint Genetics
Classification: Pathogenic for SLC3A1-related disorders. Last evaluated: 2024-08-30. Review status: criteria provided, single submitter. Criteria: ACMG Guidelines, 2015. Collection method: clinical testing. Allele origin: germline. Affected: yes. Observed: 5 variant alleles.

Labcorp Genetics (formerly Invitae), Labcorp
Classification: Pathogenic for Cystinuria. Last evaluated: 2023-06-15. Review status: criteria provided, single submitter. Criteria: Invitae Variant Classification Sherloc (09022015). Collection method: clinical testing. Allele origin: germline.
Comment: For these reasons, this variant has been classified as Pathogenic. Advanced modeling of protein sequence and biophysical properties (such as structural, functional, and spatial information, amino acid conservation, physicochemical variation, residue mobility, and thermodynamic stability) has been performed at Invitae for this missense variant, however the output from this modeling did not meet the statistical confidence thresholds required to predict the impact of this variant on SLC3A1 protein function. ClinVar contains an entry for this variant (Variation ID: 804176). This missense change has been observed in individual(s) with cystinuria (PMID: 12234283, 26123750, 28646536, 32133030). This variant is present in population databases (rs375399468, gnomAD 0.02%). This sequence change replaces arginine, which is basic and polar, with cysteine, which is neutral and slightly polar, at codon 362 of the SLC3A1 protein (p.Arg362Cys).

Illumina Laboratory Services, Illumina
Classification: Uncertain significance for Cystinuria. Last evaluated: 2017-04-27. Review status: criteria provided, single submitter. Criteria: ICSL Variant Classification Criteria 13 December 2019. Collection method: clinical testing. Allele origin: germline.
Comment: This variant was observed as part of a predisposition screen in an ostensibly healthy population. A literature search was performed for the gene, cDNA change, and amino acid change (where applicable). Publications were found based on this search. However, the evidence from the literature, in combination with allele frequency data from public databases where available, was not sufficient to rule this variant in or out of causing disease. Therefore, this variant is classified as a variant of unknown significance.

PreventionGenetics, part of Exact Sciences
Classification: Likely pathogenic for SLC3A1-related condition. Last evaluated: 2023-12-30. Review status: no assertion criteria provided. Collection method: clinical testing. Allele origin: germline. Not counted in ClinVar's aggregate classification.
Comment: The SLC3A1 c.1084C>T variant is predicted to result in the amino acid substitution p.Arg362Cys. This variant has been reported in individuals with cystinuria (Bisceglia et al. 1996. PubMed ID: 8792820; Li et al. 2020. PubMed ID: 32133030). This variant is reported in 0.019% of alleles in individuals of Ashkenazi Jewish descent in gnomAD. This variant is interpreted as likely pathogenic.

The Laboratory of Genetics and Metabolism, Hunan Children’s Hospital
Classification: Pathogenic for Cystine Urolithiasis. Review status: no assertion criteria provided. Collection method: research. Allele origin: paternal. Affected: yes. Not counted in ClinVar's aggregate classification.

Literature cited by the submitters: PubMed 25964309 (cited by Victorian Clinical Genetics Services, Murdoch Childrens Research Institute); PubMed 32133030 (cited by Victorian Clinical Genetics Services, Murdoch Childrens Research Institute and Labcorp Genetics (formerly Invitae), Labcorp); PubMed 26123750 (cited by Victorian Clinical Genetics Services, Murdoch Childrens Research Institute and Labcorp Genetics (formerly Invitae), Labcorp); PubMed 28646536 (cited by Victorian Clinical Genetics Services, Murdoch Childrens Research Institute and Labcorp Genetics (formerly Invitae), Labcorp); PubMed 12234283 (cited by 3 submitters); PubMed 12820697 (cited by Victorian Clinical Genetics Services, Murdoch Childrens Research Institute); PubMed 15635077 (cited by Victorian Clinical Genetics Services, Murdoch Childrens Research Institute); PubMed 33349102 (cited by Victorian Clinical Genetics Services, Murdoch Childrens Research Institute); PubMed 8792820 (cited by Illumina Laboratory Services, Illumina); PubMed 12036192 (cited by Illumina Laboratory Services, Illumina); PubMed 22480232 (cited by Illumina Laboratory Services, Illumina).